The following is an entry in ClinVar:

ClinVar aggregate classification (germline): Uncertain significance (1 of 4 stars; one submission).

Conditions:
Inborn genetic diseases. Identifiers: MedGen C0950123, MeSH D030342.

Submission:

Ambry Genetics
Classification: Uncertain significance for Inborn genetic diseases. Last evaluated: 2022-08-26. Review status: criteria provided, single submitter. Criteria: Ambry Variant Classification Scheme 2023. Collection method: clinical testing. Allele origin: germline.
Comment: The c.3787_3789delGAG (p.E1263del) alteration is located in exon 16 (coding exon 16) of the FRMPD4 gene. This alteration consists of an in-frame deletion of 3 nucleotides between nucleotide positions c.3787 and c.3789, resulting in the deletion of <NA> residues. Based on insufficient or conflicting evidence, the clinical significance of this alteration remains unclear.

NM_001368397.1(FRMPD4):c.3784GAG[1] (p.Glu1263del)

Gene: FRMPD4 (FERM and PDZ domain containing 4; plus strand). Cytogenetic location: Xp22.2.
Variant type: Microsatellite.
Coding change: c.3784GAG[1] on transcript NM_001368397.1 (MANE Select); one copy of the 3-base unit GAG starting at c.3784; the reference has two copies in a row; one copy, 3 bases deleted.
Protein change: p.Glu1263del; deletes glutamic acid 1263.
Molecular consequence: inframe deletion.
Genome position (GRCh38, 1-based): chrX:12,718,613-12,718,615, GAG deleted; deleting any 3 consecutive bases within chrX:12,718,610-12,718,615 gives the same sequence; the position shown is the placement nearest the transcript's 3' end. VCF-style (leftmost placement, unchanged base first): chrX-12718609-AGAG-A. GRCh37 (hg19) VCF-style: chrX-12736728-AGAG-A.
Other names: c.3895GAG[1], p.Glu1300del (NM_001368395.3, NM_001368398.3); c.3790GAG[1], p.Glu1265del (NM_001368396.3); c.3775GAG[1], p.Glu1260del (NM_001368399.3); c.3664GAG[1], p.Glu1223del (NM_001368400.3); c.3760GAG[1], p.Glu1255del (NM_001368401.1, NM_001368402.3); c.3784GAG[1], p.Glu1263del (NM_014728.3); c.3787_3789delGAG (NM_014728.3); short protein forms E1260del, E1263del, E1265del, E1255del, E1300del, E1223del.
Identifiers: ClinVar variation 2206582 (VCV002206582.2), dbSNP rs750499684, ClinGen allele CA10349655.